The following is an entry in ClinVar:

ClinVar aggregate classification (germline): Uncertain significance. Review status: criteria provided, multiple submitters, no conflicts (2 of 4 stars). 3 submissions from 3 submitters: Uncertain significance (3). Last evaluated 2024-06-09.

Conditions:
Catecholaminergic polymorphic ventricular tachycardia (CVPT). Also called: Catecholamine-induced polymorphic ventricular tachycardia. Identifiers: Orphanet 3286, MedGen C5574922, MONDO:0017990.
Cardiomyopathy (CMYO). Also called: Cardiomyopathies. Identifiers: Orphanet 167848, MedGen C0878544, MONDO:0004994, HP:0001638. Inheritance: Various modes of inheritance.

gnomAD v4.1: 1 of 1,549,750 alleles (0.000065%); highest among the groups gnomAD compares: Non-Finnish European, 0.000087%; no homozygotes.

Submissions (3):

All of Us Research Program, National Institutes of Health
Classification: Uncertain significance for Catecholaminergic polymorphic ventricular tachycardia. Last evaluated: 2024-06-09. Review status: criteria provided, single submitter. Criteria: ACMG Guidelines, 2015. Collection method: clinical testing. Allele origin: germline. Inheritance: Autosomal dominant inheritance. Observed: 1 variant allele, 1 heterozygote.
Comment: This missense variant replaces arginine with serine at codon 929 of the RYR2 protein. Computational prediction suggests that this variant may have deleterious impact on protein structure and function (internally defined REVEL score threshold >= 0.7, PMID: 27666373). To our knowledge, functional studies have not been reported for this variant. This variant has not been reported in individuals affected with cardiovascular disorders in the literature. This variant has not been identified in the general population by the Genome Aggregation Database (gnomAD). The available evidence is insufficient to determine the role of this variant in disease conclusively. Therefore, this variant is classified as a Variant of Uncertain Significance.

This study involves interpretation of variants in research participants for the purpose of population health screening. Participant phenotype was not available at the time of variant classification. Additional details can be found in publication PMID: 35346344, PMCID: PMC8962531

Color Diagnostics, LLC DBA Color Health
Classification: Uncertain significance for Cardiomyopathy. Last evaluated: 2024-03-06. Review status: criteria provided, single submitter. Criteria: ACMG Guidelines, 2015. Collection method: clinical testing. Allele origin: germline.
Comment: This missense variant replaces arginine with serine at codon 929 of the RYR2 protein. Computational prediction suggests that this variant may have deleterious impact on protein structure and function (internally defined REVEL score threshold >= 0.7, PMID: 27666373). To our knowledge, functional studies have not been reported for this variant. This variant has not been reported in individuals affected with cardiovascular disorders in the literature. This variant has not been identified in the general population by the Genome Aggregation Database (gnomAD). The available evidence is insufficient to determine the role of this variant in disease conclusively. Therefore, this variant is classified as a Variant of Uncertain Significance.

GeneDx
Classification: Uncertain significance. Last evaluated: 2023-06-26. Review status: criteria provided, single submitter. Criteria: GeneDx Variant Classification Process June 2021. Collection method: clinical testing. Allele origin: germline. Affected: yes.
Comment: Not observed at significant frequency in large population cohorts (gnomAD); In silico analysis supports that this missense variant has a deleterious effect on protein structure/function; Not located in one of the three hot-spot regions of the RYR2 gene, where the majority of pathogenic missense variants occur (Medeiros-Domingo et al., 2009); Has not been previously published as pathogenic or benign to our knowledge; This variant is associated with the following publications: (PMID: 19926015)

NM_001035.3(RYR2):c.2785C>A (p.Arg929Ser)

Gene: RYR2 (ryanodine receptor 2; plus strand). Cytogenetic location: 1q43.
Variant type: single nucleotide variant.
Coding change: c.2785C>A on transcript NM_001035.3 (MANE Select); coding-DNA position 2785, C replaced by A.
Protein change: p.Arg929Ser; replaces arginine 929 with serine.
Molecular consequence: missense variant.
Genome position (GRCh38, 1-based): chr1:237,511,754, C>A. VCF-style: chr1-237511754-C-A. GRCh37 (hg19) VCF-style: chr1-237675054-C-A.
Other names: c.2785C>A (NM_001035.2); short protein forms R929S.
Identifiers: ClinVar variation 2774274 (VCV002774274.4), dbSNP rs528906699, ClinGen allele CA345383440.